The following is an entry in ClinVar:

NM_003805.5(CRADD):c.298+59159A>G

Gene: CRADD (CARD and death domain containing adaptor protein; plus strand). Cytogenetic location: 12q22.
Variant type: single nucleotide variant.
Coding change: c.298+59159A>G on transcript NM_003805.5 (MANE Select); 59159 bases into the intron after coding-DNA position 298, A replaced by G.
Molecular consequence: intron variant. On other transcripts: synonymous variant (1).
Genome position (GRCh38, 1-based): chr12:93,738,231, A>G. VCF-style: chr12-93738231-A-G. GRCh37 (hg19) VCF-style: chr12-94132007-A-G.
Other names: c.330A>G, p.Arg110= (NM_001330126.1); c.298+59159A>G (NM_001320100.2, NM_001320099.2); c.299-173A>G (NM_001320101.3).
Identifiers: ClinVar variation 1298552 (VCV001298552.38), dbSNP rs114077479, ClinGen allele CA6720177.

ClinVar aggregate classification (germline): Likely benign. Review status: criteria provided, multiple submitters, no conflicts (2 of 4 stars). 4 submissions from 4 submitters: Likely benign (3). 1 of the submissions does not count toward it. Last evaluated 2025-12-01.

Conditions:
CRADD-related disorder. Also called: CRADD-related condition.

Allele frequency attached by ClinVar (database versions not stated): gnomAD exomes 0.00031 and 0.00070; 1000 Genomes Project 0.00160; 1000 Genomes Project 30x 0.00187; gnomAD 0.00232 and 0.00245; TOPMed 0.00297; ExAC 0.00735.
gnomAD v4.1: 507 of 623,326 alleles (0.081%); highest among the groups gnomAD compares: African/African-American, 0.82%; 3 homozygotes.

Submissions (4):

CeGaT Center for Human Genetics Tuebingen
Classification: Likely benign. Last evaluated: 2025-12-01. Review status: criteria provided, single submitter. Criteria: CeGaT Center For Human Genetics Tuebingen Variant Classification Criteria Version 2. Collection method: clinical testing. Allele origin: germline. Affected: yes. Observed: 2 variant alleles.
Comment: CRADD: BP4, BP7

Blueprint Genetics
Classification: Likely benign. Last evaluated: 2024-10-03. Review status: criteria provided, single submitter. Criteria: ACMG Guidelines, 2015. Collection method: clinical testing. Allele origin: germline.

Breakthrough Genomics
Classification: Likely benign. Review status: criteria provided, single submitter. Criteria: ACMG Guidelines, 2015. Collection method: not provided. Allele origin: germline. Inheritance: Autosomal recessive inheritance. Affected: yes.

PreventionGenetics, part of Exact Sciences
Classification: Likely benign for CRADD-related condition. Last evaluated: 2024-01-05. Review status: no assertion criteria provided. Collection method: clinical testing. Allele origin: germline. Not counted in ClinVar's aggregate classification.
Comment: This variant is classified as likely benign based on ACMG/AMP sequence variant interpretation guidelines (Richards et al. 2015 PMID: 25741868, with internal and published modifications).